The following is an entry in ClinVar:

ClinVar aggregate classification (germline): Pathogenic (1 of 4 stars; one submission).

Conditions:
Autosomal dominant polycystic kidney disease. Identifiers: Orphanet 730, MedGen C0085413, MONDO:0004691.

Submission:

Labcorp Genetics (formerly Invitae), Labcorp
Classification: Pathogenic for Autosomal dominant polycystic kidney disease. Last evaluated: 2024-07-17. Review status: criteria provided, single submitter. Criteria: Invitae Variant Classification Sherloc (09022015). Collection method: clinical testing. Allele origin: germline.
Comment: This sequence change creates a premature translational stop signal (p.Lys746*) in the PKD2 gene. It is expected to result in an absent or disrupted protein product. Loss-of-function variants in PKD2 are known to be pathogenic (PMID: 17582161, 22863349). This variant is not present in population databases (gnomAD no frequency). This variant has not been reported in the literature in individuals affected with PKD2-related conditions. For these reasons, this variant has been classified as Pathogenic.

Literature cited by the submitters: PubMed 17582161; PubMed 22863349.

NM_000297.4(PKD2):c.2236A>T (p.Lys746Ter)

Gene: PKD2 (polycystin 2, transient receptor potential cation channel; plus strand). Cytogenetic location: 4q22.1.
Variant type: single nucleotide variant.
Coding change: c.2236A>T on transcript NM_000297.4 (MANE Select); coding-DNA position 2236, A replaced by T.
Protein change: p.Lys746Ter; replaces lysine 746 with a stop codon.
Molecular consequence: nonsense. On other transcripts: non-coding transcript variant (1).
Genome position (GRCh38, 1-based): chr4:88,065,491, A>T. VCF-style: chr4-88065491-A-T. GRCh37 (hg19) VCF-style: chr4-88986643-A-T.
Other names: short protein forms K746*.
Identifiers: ClinVar variation 3659735 (VCV003659735.2).